The following is an entry in ClinVar:

ClinVar aggregate classification (germline): Conflicting classifications of pathogenicity. Review status: criteria provided, conflicting classifications (1 of 4 stars). 3 submissions from 3 submitters: Uncertain significance (2); Benign (1). Last evaluated 2025-10-24.

Conditions:
Hereditary cancer-predisposing syndrome. Also called: Hereditary neoplastic syndrome; Tumor predisposition; Neoplastic Syndromes, Hereditary; Hereditary Cancer Syndrome. Identifiers: Orphanet 140162, MedGen C0027672, MeSH D009386, MONDO:0015356.
Fanconi anemia complementation group O. Also called: RAD51C-Related Fanconi Anemia. Identifiers: Orphanet 84, MedGen C3150653, MONDO:0013248, OMIM 613390.

Allele frequency attached by ClinVar (database versions not stated): TOPMed below 0.00001.

Submissions (3):

Ambry Genetics
Classification: Benign for Hereditary cancer-predisposing syndrome. Last evaluated: 2025-10-24. Review status: criteria provided, single submitter. Criteria: Ambry Variant Classification Scheme 2023. Collection method: clinical testing. Allele origin: germline.

Quest Diagnostics Nichols Institute San Juan Capistrano
Classification: Uncertain significance. Last evaluated: 2024-11-05. Review status: criteria provided, single submitter. Criteria: Quest Diagnostics criteria. Collection method: clinical testing. Allele origin: unknown.
Comment: The RAD51C c.290A>G (p.Gln97Arg) variant has not been reported in individuals with RAD51C-related conditions in the published literature. In a large-scale breast cancer association study, the variant was observed in a reportedly heathy individual and not among the breast cancer cases (PMID: 33471991 (2021), see also LOVD). It also has not been reported in large, multi-ethnic general populations (Genome Aggregation Database). Analysis of this variant using bioinformatics tools for the prediction of the effect of amino acid changes on protein structure and function yielded predictions that this variant is benign. Based on the available information, we are unable to determine the clinical significance of this variant.

Labcorp Genetics (formerly Invitae), Labcorp
Classification: Uncertain significance for Fanconi anemia complementation group O. Last evaluated: 2023-12-11. Review status: criteria provided, single submitter. Criteria: Invitae Variant Classification Sherloc (09022015). Collection method: clinical testing. Allele origin: germline.
Comment: This sequence change replaces glutamine, which is neutral and polar, with arginine, which is basic and polar, at codon 97 of the RAD51C protein (p.Gln97Arg). This variant is not present in population databases (gnomAD no frequency). This variant has not been reported in the literature in individuals affected with RAD51C-related conditions. ClinVar contains an entry for this variant (Variation ID: 962548). Advanced modeling of protein sequence and biophysical properties (such as structural, functional, and spatial information, amino acid conservation, physicochemical variation, residue mobility, and thermodynamic stability) performed at Invitae indicates that this missense variant is not expected to disrupt RAD51C protein function with a negative predictive value of 80%. In summary, the available evidence is currently insufficient to determine the role of this variant in disease. Therefore, it has been classified as a Variant of Uncertain Significance.

Literature cited by the submitters: PubMed 33471991 (cited by Quest Diagnostics Nichols Institute San Juan Capistrano).

NM_058216.3(RAD51C):c.290A>G (p.Gln97Arg)

Gene: RAD51C (RAD51 paralog C; plus strand). Cytogenetic location: 17q22.
Variant type: single nucleotide variant.
Coding change: c.290A>G on transcript NM_058216.3 (MANE Select); coding-DNA position 290, A replaced by G.
Protein change: p.Gln97Arg; replaces glutamine 97 with arginine.
Molecular consequence: missense variant. On other transcripts: non-coding transcript variant (2).
Genome position (GRCh38, 1-based): chr17:58,695,075, A>G. VCF-style: chr17-58695075-A-G. GRCh37 (hg19) VCF-style: chr17-56772436-A-G.
Other names: c.290A>G, p.Gln97Arg (NM_002876.4); short protein forms Q97R.
Identifiers: ClinVar variation 962548 (VCV000962548.14), dbSNP rs2047951391, ClinGen allele CA400340907.
Genomic context (GRCh38, chr17:58,695,075, plus strand): 5'-GTACATCTGAGTCACACAAGAAGTGTACAGCACTGGAACTTCTTGAGCAGGAGCATACCC[A>G]GGGCTTCATAATCACCTTCTGTTCAGCACTAGATGATATTCTTGGGGGTGGAGTGCCCTT-3'
Protein context (NP_478123.1, residues 87-107): ALELLEQEHT[Gln97Arg]GFIITFCSAL